The following is an entry in ClinVar:

NM_032656.4(DHX37):c.2454-6_2454-5del

Gene: DHX37 (DEAH-box helicase 37; minus strand). Cytogenetic location: 12q24.31.
Variant type: Deletion.
Coding change: c.2454-6_2454-5del on transcript NM_032656.4 (MANE Select); 6 bases into the intron before coding-DNA position 2454 through 5 bases into the intron before coding-DNA position 2454, 2 bases deleted (TT; older notation c.2454-6_2454-5delTT).
Molecular consequence: intron variant.
Genome position (GRCh38, 1-based): chr12:124,954,216-124,954,217, AA deleted on the plus strand (TT on the coding strand, the reverse complement: DHX37 is on the minus strand); deleting any 2 consecutive bases within chr12:124,954,216-124,954,218 gives the same sequence; the c. name uses the placement nearest the transcript's 3' end. VCF-style (leftmost placement, unchanged base first): chr12-124954215-CAA-C. GRCh37 (hg19) VCF-style: chr12-125438761-CAA-C.
Identifiers: ClinVar variation 2809296 (VCV002809296.3), dbSNP rs2547111241, ClinGen allele CA2739277344.

ClinVar aggregate classification (germline): Uncertain significance (1 of 4 stars; one submission).

Submission:

Labcorp Genetics (formerly Invitae), Labcorp
Classification: Uncertain significance. Last evaluated: 2022-11-01. Review status: criteria provided, single submitter. Criteria: Invitae Variant Classification Sherloc (09022015). Collection method: clinical testing. Allele origin: germline.
Comment: This sequence change falls in intron 18 of the DHX37 gene. It does not directly change the encoded amino acid sequence of the DHX37 protein. This variant is not present in population databases (gnomAD no frequency). This variant has not been reported in the literature in individuals affected with DHX37-related conditions. Algorithms developed to predict the effect of sequence changes on RNA splicing suggest that this variant may disrupt the consensus splice site. In summary, the available evidence is currently insufficient to determine the role of this variant in disease. Therefore, it has been classified as a Variant of Uncertain Significance.